The following is an entry in ClinVar:

NM_002047.4(GARS1):c.223-132G>A

Gene: GARS1 (glycyl-tRNA synthetase 1; plus strand). Cytogenetic location: 7p14.3.
Variant type: single nucleotide variant.
Coding change: c.223-132G>A on transcript NM_002047.4 (MANE Select); 132 bases into the intron before coding-DNA position 223, G replaced by A.
Molecular consequence: intron variant.
Genome position (GRCh38, 1-based): chr7:30,598,664, G>A. VCF-style: chr7-30598664-G-A. GRCh37 (hg19) VCF-style: chr7-30638280-G-A.
Other names: c.61-132G>A (NM_001316772.1).
Identifiers: ClinVar variation 681866 (VCV000681866.2), dbSNP rs117505203, ClinGen allele CA12461386.

ClinVar aggregate classification (germline): Likely benign. Review status: criteria provided, multiple submitters, no conflicts (2 of 4 stars). 2 submissions from 2 submitters: Likely benign (2). Last evaluated 2018-06-16.

Allele frequency attached by ClinVar (database versions not stated): 1000 Genomes Project 0.00978; 1000 Genomes Project 30x 0.00984; TOPMed 0.01138; gnomAD 0.01238 and 0.01278.
gnomAD v4.1: 12,279 of 735,206 alleles (1.7%); highest among the groups gnomAD compares: Middle Eastern, 2.2%; 154 homozygotes.

Submissions (2):

GeneDx
Classification: Likely benign. Last evaluated: 2018-06-16. Review status: criteria provided, single submitter. Criteria: GeneDx Variant Classification (06012015). Collection method: clinical testing. Allele origin: germline. Affected: yes.
Comment: This variant is considered likely benign or benign based on one or more of the following criteria: it is a conservative change, it occurs at a poorly conserved position in the protein, it is predicted to be benign by multiple in silico algorithms, and/or has population frequency not consistent with disease.

Breakthrough Genomics
Classification: Likely benign. Review status: criteria provided, single submitter. Criteria: ACMG Guidelines, 2015. Collection method: not provided. Allele origin: germline. Inheritance: Autosomal dominant inheritance. Affected: yes.